The following is an entry in ClinVar:

ClinVar aggregate classification (germline): Uncertain significance (1 of 4 stars; one submission).

Allele frequency attached by ClinVar (database versions not stated): ExAC 0.00001; gnomAD 0.00001; gnomAD exomes 0.00002; TOPMed 0.00002.
gnomAD v4.1: 24 of 1,614,034 alleles (0.0015%); highest among the groups gnomAD compares: South Asian, 0.0077%; no homozygotes.

Submission:

Labcorp Genetics (formerly Invitae), Labcorp
Classification: Uncertain significance. Last evaluated: 2021-08-27. Review status: criteria provided, single submitter. Criteria: Invitae Variant Classification Sherloc (09022015). Collection method: clinical testing. Allele origin: germline.
Comment: This sequence change replaces valine with isoleucine at codon 340 of the SLC26A3 protein (p.Val340Ile). The valine residue is weakly conserved and there is a small physicochemical difference between valine and isoleucine. This variant is present in population databases (rs758633508, ExAC 0.001%). This variant has not been reported in the literature in individuals affected with SLC26A3-related conditions. Advanced modeling of protein sequence and biophysical properties (such as structural, functional, and spatial information, amino acid conservation, physicochemical variation, residue mobility, and thermodynamic stability) performed at Invitae indicates that this missense variant is not expected to disrupt SLC26A3 protein function. In summary, the available evidence is currently insufficient to determine the role of this variant in disease. Therefore, it has been classified as a Variant of Uncertain Significance.

NM_000111.3(SLC26A3):c.1018G>A (p.Val340Ile)

Gene: SLC26A3 (solute carrier family 26 member 3; minus strand). Cytogenetic location: 7q22.3.
Variant type: single nucleotide variant.
Coding change: c.1018G>A on transcript NM_000111.3 (MANE Select); coding-DNA position 1018, G replaced by A.
Protein change: p.Val340Ile; replaces valine 340 with isoleucine.
Molecular consequence: missense variant.
Genome position (GRCh38, 1-based): chr7:107,783,306, C>T on the plus strand (G>A on the coding strand, the complement: SLC26A3 is on the minus strand). VCF-style: chr7-107783306-C-T. GRCh37 (hg19) VCF-style: chr7-107423751-C-T.
Other names: short protein forms V340I.
Identifiers: ClinVar variation 1466026 (VCV001466026.5), dbSNP rs758633508, ClinGen allele CA4433957.